The following is an entry in ClinVar:

ClinVar aggregate classification (germline): Uncertain significance. Review status: criteria provided, multiple submitters, no conflicts (2 of 4 stars). 3 submissions from 3 submitters: Uncertain significance (3). Last evaluated 2026-09-23.

Allele frequency attached by ClinVar (database versions not stated): ExAC 0.00001; gnomAD exomes 0.00002; gnomAD 0.00003 and 0.00002; TOPMed 0.00006; ESP Exome Variant Server 0.00015.
gnomAD v4.1: 23 of 1,613,742 alleles (0.0014%); highest among the groups gnomAD compares: Middle Eastern, 0.017%; no homozygotes.

Submissions (3):

GeneDx
Classification: Uncertain significance. Last evaluated: 2026-09-23. Review status: criteria provided, single submitter. Criteria: GeneDx Variant Classification Process June 2021. Collection method: clinical testing. Allele origin: germline.
Comment: Identified in a patient with short stature and low levels of growth hormone in published literature; this variant was inherited from an asymptomatic parent (PMID: 34849273); Nonsense variant predicted to result in protein truncation as the last 84 amino acids are lost; This variant is associated with the following publications: (PMID: 34849273)

Labcorp Genetics (formerly Invitae), Labcorp
Classification: Uncertain significance. Last evaluated: 2025-01-27. Review status: criteria provided, single submitter. Criteria: Invitae Variant Classification Sherloc (09022015). Collection method: clinical testing. Allele origin: germline.
Comment: This sequence change creates a premature translational stop signal (p.Arg283*) in the GHSR gene. While this is not anticipated to result in nonsense mediated decay, it is expected to disrupt the last 84 amino acid(s) of the GHSR protein. This variant is present in population databases (rs148371213, gnomAD 0.003%). This premature translational stop signal has been observed in individual(s) with short stature (PMID: 34849273). ClinVar contains an entry for this variant (Variation ID: 488915). Algorithms developed to predict the effect of sequence changes on RNA splicing suggest that this variant may disrupt the consensus splice site. In summary, the available evidence is currently insufficient to determine the role of this variant in disease. Therefore, it has been classified as a Variant of Uncertain Significance.

Women's Health and Genetics/Laboratory Corporation of America, LabCorp
Classification: Uncertain significance. Last evaluated: 2023-09-19. Review status: criteria provided, single submitter. Criteria: LabCorp Variant Classification Summary - May 2015. Collection method: clinical testing. Allele origin: germline.
Comment: Variant summary: GHSR c.847C>T (p.Arg283X) results in a premature termination codon, which is not expected to cause nonsense mediated decay but is predicted to cause a truncation of the encoded protein. Current evidence is not sufficient to establish loss-of-function variants in GHSR as causative of disease. The variant allele was found at a frequency of 2e-05 in 251142 control chromosomes (gnomAD). The available data on variant occurrences in the general population are insufficient to allow any conclusion about variant significance. c.847C>T has been reported in the literature in an individual affected with idiopathic short stature without strong evidence of causality (Noorian_2020). This report does not provide unequivocal conclusions about association of the variant with Short Stature Due To Growth Hormone Secretagogue Receptor Deficiency. To our knowledge, no experimental evidence demonstrating an impact on protein function has been reported. The following publication has been ascertained in the context of this evaluation (PMID: 34849273). Three submitters have cited clinical-significance assessments for this variant to ClinVar after 2014. All submitters classified the variant as uncertain significance. Based on the evidence outlined above, the variant was classified as uncertain significance.

Literature cited by the submitters: PubMed 34849273 (cited by Labcorp Genetics (formerly Invitae), Labcorp and Women's Health and Genetics/Laboratory Corporation of America, LabCorp).

NM_198407.2(GHSR):c.847C>T (p.Arg283Ter)

Gene: GHSR (growth hormone secretagogue receptor; minus strand). Cytogenetic location: 3q26.31.
Variant type: single nucleotide variant.
Coding change: c.847C>T on transcript NM_198407.2 (MANE Select); coding-DNA position 847, C replaced by T.
Protein change: p.Arg283Ter; replaces arginine 283 with a stop codon.
Molecular consequence: nonsense.
Genome position (GRCh38, 1-based): chr3:172,445,415, G>A on the plus strand (C>T on the coding strand, the complement: GHSR is on the minus strand). VCF-style: chr3-172445415-G-A. GRCh37 (hg19) VCF-style: chr3-172163205-G-A.
Other names: short protein forms R283*.
Identifiers: ClinVar variation 488915 (VCV000488915.14), dbSNP rs148371213, ClinGen allele CA2706348.